The following is an entry in ClinVar:

ClinVar aggregate classification (germline): Conflicting classifications of pathogenicity. Review status: criteria provided, conflicting classifications (1 of 4 stars). 3 submissions from 3 submitters: Likely pathogenic (2); Uncertain significance (1). Last evaluated 2025-11-20.

Conditions:
Galactosylceramide beta-galactosidase deficiency. Also called: Leukodystrophy, Globoid Cell; Krabbe Disease; GALACTOCEREBROSIDASE DEFICIENCY; GALC DEFICIENCY; GLOBOID CELL LEUKOENCEPHALOPATHY. Identifiers: Orphanet 487, MedGen C0023521, MONDO:0009499, OMIM 245200.

gnomAD v4.1: 7 of 1,535,098 alleles (0.00046%); highest among the groups gnomAD compares: Non-Finnish European, 0.00061%; no homozygotes.

Submissions (3):

Women's Health and Genetics/Laboratory Corporation of America, LabCorp
Classification: Uncertain significance. Last evaluated: 2025-11-20. Review status: criteria provided, single submitter. Criteria: LabCorp Variant Classification Summary - May 2015. Collection method: clinical testing. Allele origin: germline.
Comment: Variant summary: GALC c.169G>C (p.Gly57Arg) results in a non-conservative amino acid change in the encoded protein sequence. Algorithms developed to predict the effect of missense changes on protein structure and function all suggest that this variant is likely to be disruptive. The frequency data for this variant in gnomAD is considered unreliable, as metrics indicate poor data quality at this position. To our knowledge, no occurrence of c.169G>C in individuals affected with GALC-related conditions and no experimental evidence demonstrating its impact on protein function have been reported. A different variant affecting the same codon has been classified as likely pathogenic/pathogenic by our lab (c.169G>A, p.Gly57Ser), supporting the critical relevance of codon 57 to GALC protein function. ClinVar contains an entry for this variant (Variation ID: 1324445). Based on the evidence outlined above, the variant was classified as uncertain significance.

Labcorp Genetics (formerly Invitae), Labcorp
Classification: Likely pathogenic for Galactosylceramide beta-galactosidase deficiency. Last evaluated: 2023-06-16. Review status: criteria provided, single submitter. Criteria: Invitae Variant Classification Sherloc (09022015). Collection method: clinical testing. Allele origin: germline.
Comment: This variant has not been reported in the literature in individuals affected with GALC-related conditions. This sequence change replaces glycine, which is neutral and non-polar, with arginine, which is basic and polar, at codon 57 of the GALC protein (p.Gly57Arg). This variant is not present in population databases (gnomAD no frequency). ClinVar contains an entry for this variant (Variation ID: 1324445). Advanced modeling of protein sequence and biophysical properties (such as structural, functional, and spatial information, amino acid conservation, physicochemical variation, residue mobility, and thermodynamic stability) performed at Invitae indicates that this missense variant is expected to disrupt GALC protein function. This variant disrupts the p.Gly57 amino acid residue in GALC. Other variant(s) that disrupt this residue have been determined to be pathogenic (PMID: 17579360, 21070211). This suggests that this residue is clinically significant, and that variants that disrupt this residue are likely to be disease-causing. In summary, the currently available evidence indicates that the variant is pathogenic, but additional data are needed to prove that conclusively. Therefore, this variant has been classified as Likely Pathogenic.

Revvity Omics, Revvity
Classification: Likely pathogenic. Last evaluated: 2019-06-11. Review status: criteria provided, single submitter. Criteria: ACMG Guidelines, 2015. Collection method: clinical testing. Allele origin: germline.

Literature cited by the submitters: PubMed 17579360 (cited by Labcorp Genetics (formerly Invitae), Labcorp); PubMed 21070211 (cited by Labcorp Genetics (formerly Invitae), Labcorp).

NM_000153.4(GALC):c.169G>C (p.Gly57Arg)

Genes: GALC (galactosylceramidase; minus strand), LOC130056217 (ATAC-STARR-seq lymphoblastoid silent region 5988; plus strand). Cytogenetic location: 14q31.3.
Variant type: single nucleotide variant.
Coding change: c.169G>C on transcript NM_000153.4 (MANE Select); coding-DNA position 169, G replaced by C.
Protein change: p.Gly57Arg; replaces glycine 57 with arginine.
Molecular consequence: missense variant. On other transcripts: intron variant (1).
Genome position (GRCh38, 1-based): chr14:87,992,996, C>G on the plus strand (G>C on the coding strand, the complement: GALC is on the minus strand). VCF-style: chr14-87992996-C-G. GRCh37 (hg19) VCF-style: chr14-88459340-C-G.
Other names: c.169G>C, p.Gly57Arg (NM_001201401.2); c.117+387G>C (NM_001201402.2); short protein forms G57R.
Identifiers: ClinVar variation 1324445 (VCV001324445.8), dbSNP rs11623, ClinGen allele CA265469440.
Genomic context (GRCh38, chr14:87,992,996, plus strand): 5'-CGCCCCCCGCGTATCCCCGCAGCTTGCCGCTCACCCCGCCGCCGCTGACCGCGCCGATGC[C>G]GTCGAACTCCCGGCCCAGCCCGTCGGAGTCGTCGAGCACGTACGCGCCGCCGGGCGCCAG-3'
Protein context (NP_000144.2, residues 47-67): DSDGLGREFD[Gly57Arg]IGAVSGGGAT